The following is an entry in ClinVar:

NM_000053.4(ATP7B):c.3356C>G (p.Pro1119Arg)

Gene: ATP7B (ATPase copper transporting beta; minus strand). Cytogenetic location: 13q14.3.
Variant type: single nucleotide variant.
Coding change: c.3356C>G on transcript NM_000053.4 (MANE Select); coding-DNA position 3356, C replaced by G.
Protein change: p.Pro1119Arg; replaces proline 1119 with arginine.
Molecular consequence: missense variant.
Genome position (GRCh38, 1-based): chr13:51,942,442, G>C on the plus strand (C>G on the coding strand, the complement: ATP7B is on the minus strand). VCF-style: chr13-51942442-G-C. GRCh37 (hg19) VCF-style: chr13-52516578-G-C.
Other names: c.2708C>G, p.Pro903Arg (NM_001406545.1); c.2675C>G, p.Pro892Arg (NM_001406546.1); c.2513C>G, p.Pro838Arg (NM_001406547.1); c.2066C>G, p.Pro689Arg (NM_001406548.1); c.2735C>G, p.Pro912Arg (NM_001005918.3); c.3023C>G, p.Pro1008Arg (NM_001243182.2); c.3122C>G, p.Pro1041Arg (NM_001330578.2, NM_001406527.1, NM_001406528.1 and 1 more transcripts); c.3104C>G, p.Pro1035Arg (NM_001330579.2, NM_001406531.1, NM_001406532.1); and 19 more; short protein forms P1003R, P1006R, P1008R, P1009R, P1023R, P1035R, P1039R, P1041R.
Identifiers: ClinVar variation 3075592 (VCV003075592.1), dbSNP rs1420890804, ClinGen allele CA388028121.
Genomic context (GRCh38, chr13:51,942,442, plus strand): 5'-ATACCTTTTTCTGCGGGAAGGCTGCCAGCCTCATTCAGGTGACTGGCCGGTGCACTCAAA[G>C]GGCGCTCACTGTGGGCCAGGATGCCTTCCACGTTGCTGACTTTGCACCCAATTCCACAGC-3'
Protein context (NP_000044.2, residues 1109-1129): VEGILAHSER[Pro1119Arg]LSAPASHLNE

ClinVar aggregate classification (germline): Uncertain significance (1 of 4 stars; one submission).

Conditions:
Wilson disease (WND). Also called: Wilson's disease. Identifiers: Orphanet 905, MedGen C0019202, MONDO:0010200, OMIM 277900. Disease mechanism: loss of function.

Allele frequency attached by ClinVar (database versions not stated): gnomAD exomes below 0.00001.
gnomAD v4.1: 6 of 1,614,240 alleles (0.00037%); highest among the groups gnomAD compares: Non-Finnish European, 0.00051%; no homozygotes.

Submission:

All of Us Research Program, National Institutes of Health
Classification: Uncertain significance for Wilson disease. Last evaluated: 2023-05-04. Review status: criteria provided, single submitter. Criteria: ACMG Guidelines, 2015. Collection method: clinical testing. Allele origin: germline. Inheritance: Autosomal recessive inheritance. Observed: 1 variant allele, 1 heterozygote.
Comment: This missense variant replaces proline with arginine at codon 1119 of the ATP7B protein. Computational prediction suggests that this variant may not impact protein structure and function (internally defined REVEL score threshold <= 0.5, PMID: 27666373). To our knowledge, functional studies have not been reported for this variant. This variant has not been reported in individuals affected with Wilson disease in the literature. This variant has been identified in 1/249574 chromosomes in the general population by the Genome Aggregation Database (gnomAD). The available evidence is insufficient to determine the role of this variant in disease conclusively. Therefore, this variant is classified as a Variant of Uncertain Significance.

This study involves interpretation of variants in research participants for the purpose of population health screening. Participant phenotype was not available at the time of variant classification. Additional details can be found in publication PMID: 35346344, PMCID: PMC8962531